The following is an entry in ClinVar:

ClinVar aggregate classification (germline): Conflicting classifications of pathogenicity. Review status: criteria provided, conflicting classifications (1 of 4 stars). 5 submissions from 5 submitters: Pathogenic (1); Uncertain significance (4). Last evaluated 2025-09-10.

Conditions:
Cardiovascular phenotype. Identifiers: MedGen CN230736.
Hypertrophic cardiomyopathy 1 (CMH1). Also called: Familial hypertrophic cardiomyopathy 1; MYH7-Related Familial Hypertrophic Cardiomyopathy. Identifiers: MedGen C3495498, MONDO:0008647, OMIM 192600.
Hypertrophic cardiomyopathy. Also called: HYPERTROPHIC MYOCARDIOPATHY. Identifiers: Orphanet 217569, MedGen C0007194, MeSH D002312, MONDO:0005045, HP:0001639.

Submissions (5):

Labcorp Genetics (formerly Invitae), Labcorp
Classification: Pathogenic for Hypertrophic cardiomyopathy. Last evaluated: 2025-09-10. Review status: criteria provided, single submitter. Criteria: Invitae Variant Classification Sherloc (09022015). Collection method: clinical testing. Allele origin: germline.
Comment: This sequence change replaces glutamine, which is neutral and polar, with glutamic acid, which is acidic and polar, at codon 1346 of the MYH7 protein (p.Gln1346Glu). This variant is not present in population databases (gnomAD no frequency). This missense change has been observed in individuals with hypertrophic carciomyopathy (internal data). It has also been observed to segregate with disease in related individuals. ClinVar contains an entry for this variant (Variation ID: 234442). Invitae Evidence Modeling of protein sequence and biophysical properties (such as structural, functional, and spatial information, amino acid conservation, physicochemical variation, residue mobility, and thermodynamic stability) indicates that this missense variant is expected to disrupt MYH7 protein function with a positive predictive value of 95%. For these reasons, this variant has been classified as Pathogenic.

Ambry Genetics
Classification: Uncertain significance for Cardiovascular phenotype. Last evaluated: 2025-05-27. Review status: criteria provided, single submitter. Criteria: Ambry Variant Classification Scheme 2023. Collection method: clinical testing. Allele origin: germline.
Comment: The p.Q1346E variant (also known as c.4036C>G), located in coding exon 28 of the MYH7 gene, results from a C to G substitution at nucleotide position 4036. The glutamine at codon 1346 is replaced by glutamic acid, an amino acid with highly similar properties. This variant was reported in individual(s) with features consistent with hypertrophic cardiomyopathy (HCM) (McGurk KA et al. Am J Hum Genet, 2023 Sep;110:1482-1495; Ambry internal data; external communication). This amino acid position is highly conserved in available vertebrate species. In addition, the in silico prediction for this alteration is inconclusive. Based on the available evidence, the clinical significance of this variant remains unclear.

3billion
Classification: Uncertain significance for Hypertrophic cardiomyopathy 1. Last evaluated: 2025-02-19. Review status: criteria provided, single submitter. Criteria: ACMG Guidelines, 2015. Collection method: clinical testing. Allele origin: germline. Affected: yes.
Comment: The variant is not observed in the gnomAD v4.1.0 dataset. Predicted Consequence/Location: Missense variant In silico tool predictions suggest damaging effect of the variant on gene or gene product [REVEL: 0.84 (>=0.6, sensitivity 0.68 and specificity 0.92); 3Cnet: 0.99 (>=0.6, sensitivity 0.72 and precision 0.9)]. The same nucleotide change resulting in the same amino acid change has been previously reported to be associated with MYH7-related disorder (ClinVar ID: VCV000234442). However, the evidence of pathogenicity is insufficient at this time. Therefore, this variant is classified as VUS according to the recommendation of ACMG/AMP guideline.

GeneDx
Classification: Uncertain significance. Last evaluated: 2020-11-04. Review status: criteria provided, single submitter. Criteria: GeneDx Variant Classification Process June 2021. Collection method: clinical testing. Allele origin: germline. Affected: yes.
Comment: Has not been previously published as pathogenic or benign to our knowledge; Not observed in large population cohorts (Lek et al., 2016); In silico analysis supports that this missense variant does not alter protein structure/function

Laboratory for Molecular Medicine, Mass General Brigham Personalized Medicine
Classification: Uncertain significance. Last evaluated: 2018-11-06. Review status: criteria provided, single submitter. Criteria: LMM Criteria. Collection method: clinical testing. Allele origin: germline. Observed: 1 variant allele.
Comment: The p.Gln1346Glu variant in MYH7 has not been reported in the literature, but ha s been reported in ClinVar (Variation ID #234442). It was absent from large popu lation studies. Computational prediction tools and conservation analysis suggest that this variant may impact the protein, though this information is not predic tive enough to determine pathogenicity. In summary, the clinical significance of the p.Gln1346Glu variant is uncertain. ACMG/AMP Criteria applied: PM2, PP3.

Literature cited by the submitters: PubMed 37652022 (cited by Ambry Genetics).

NM_000257.4(MYH7):c.4036C>G (p.Gln1346Glu)

Gene: MYH7 (myosin heavy chain 7; minus strand). Cytogenetic location: 14q11.2.
Variant type: single nucleotide variant.
Coding change: c.4036C>G on transcript NM_000257.4 (MANE Select); coding-DNA position 4036, C replaced by G.
Protein change: p.Gln1346Glu; replaces glutamine 1346 with glutamic acid.
Molecular consequence: missense variant.
Genome position (GRCh38, 1-based): chr14:23,418,343, G>C on the plus strand (C>G on the coding strand, the complement: MYH7 is on the minus strand). VCF-style: chr14-23418343-G-C. GRCh37 (hg19) VCF-style: chr14-23887552-G-C.
Other names: c.4036C>G (LRG_384t1); short protein forms Q1346E.
Identifiers: ClinVar variation 234442 (VCV000234442.19), dbSNP rs730880787, ClinGen allele CA10577505.
Genomic context (GRCh38, chr14:23,418,343, plus strand): 5'-AGTTGGCCTTGGAAAGGACGCGCTGCAGCTCGGCCTTGGCCTCCGTCTCCTCCTCGTACT[G>C]CTCCCGCAGCAGGTCGCAGTCATGCCGGGCCGACTGCAGTGCGTGGGCCAGGGCGTTCTT-3'
Protein context (NP_000248.2, residues 1336-1356): ARHDCDLLRE[Gln1346Glu]YEEETEAKAE